The following is an entry in ClinVar:

ClinVar aggregate classification (germline): Uncertain significance (1 of 4 stars; one submission).

Allele frequency attached by ClinVar (database versions not stated): gnomAD exomes 0.00001.
gnomAD v4.1: 4 of 1,204,762 alleles (0.00033%); highest among the groups gnomAD compares: Non-Finnish European, 0.00045%; no homozygotes.

Submission:

GeneDx
Classification: Uncertain significance. Last evaluated: 2023-12-14. Review status: criteria provided, single submitter. Criteria: GeneDx Variant Classification Process June 2021. Collection method: clinical testing. Allele origin: germline.
Comment: Not observed at significant frequency in large population cohorts (gnomAD); In silico analysis supports that this missense variant has a deleterious effect on protein structure/function; Has not been previously published as pathogenic or benign to our knowledge

NM_007325.5(GRIA3):c.2636C>T (p.Thr879Ile)

Gene: GRIA3 (glutamate ionotropic receptor AMPA type subunit 3; plus strand). Cytogenetic location: Xq25.
Variant type: single nucleotide variant.
Coding change: c.2636C>T on transcript NM_007325.5 (MANE Select); coding-DNA position 2636, C replaced by T.
Protein change: p.Thr879Ile; replaces threonine 879 with isoleucine.
Molecular consequence: missense variant.
Genome position (GRCh38, 1-based): chrX:123,482,995, C>T. VCF-style: chrX-123482995-C-T. GRCh37 (hg19) VCF-style: chrX-122616846-C-T.
Other names: c.2636C>T, p.Thr879Ile (NM_000828.5); short protein forms T879I.
Identifiers: ClinVar variation 2580585 (VCV002580585.2), dbSNP rs2521368604, ClinGen allele CA414256358.